The following is an entry in ClinVar:

ClinVar aggregate classification (germline): Pathogenic (1 of 4 stars; one submission).

Submission:

Labcorp Genetics (formerly Invitae), Labcorp
Classification: Pathogenic. Last evaluated: 2024-02-24. Review status: criteria provided, single submitter. Criteria: Invitae Variant Classification Sherloc (09022015). Collection method: clinical testing. Allele origin: germline.
Comment: This sequence change creates a premature translational stop signal (p.Tyr167*) in the WHRN gene. It is expected to result in an absent or disrupted protein product. Loss-of-function variants in WHRN are known to be pathogenic (PMID: 12833159, 15841483, 22147658). This variant is not present in population databases (gnomAD no frequency). This variant has not been reported in the literature in individuals affected with WHRN-related conditions. ClinVar contains an entry for this variant (Variation ID: 1397367). Algorithms developed to predict the effect of sequence changes on RNA splicing suggest that this variant may create or strengthen a splice site. For these reasons, this variant has been classified as Pathogenic.

Literature cited by the submitters: PubMed 12833159; PubMed 15841483; PubMed 22147658.

NM_015404.4(WHRN):c.501del (p.Ile166_Tyr167insTer)

Gene: WHRN (whirlin; minus strand). Cytogenetic location: 9q32.
Variant type: Deletion.
Coding change: c.501del on transcript NM_015404.4 (MANE Select); coding-DNA position 501, one base deleted (C; older notation c.501delC).
Protein change: p.Ile166_Tyr167insTer.
Molecular consequence: nonsense.
Genome position (GRCh38, 1-based): chr9:114,504,301, G deleted on the plus strand (C on the coding strand, the reverse complement: WHRN is on the minus strand). VCF-style (leftmost placement, unchanged base first): chr9-114504300-CG-C. GRCh37 (hg19) VCF-style: chr9-117266580-CG-C.
Other names: c.501del, p.Ile166_Tyr167insTer (NM_001173425.2).
Identifiers: ClinVar variation 1397367 (VCV001397367.6), dbSNP rs2133473949, ClinGen allele CA2573143849.